The following is an entry in ClinVar:

ClinVar aggregate classification (germline): Uncertain significance (1 of 4 stars; one submission).

Allele frequency attached by ClinVar (database versions not stated): gnomAD 0.00001; TOPMed 0.00001.

Submission:

Labcorp Genetics (formerly Invitae), Labcorp
Classification: Uncertain significance. Last evaluated: 2021-10-13. Review status: criteria provided, single submitter. Criteria: Invitae Variant Classification Sherloc (09022015). Collection method: clinical testing. Allele origin: germline.
Comment: This sequence change falls in intron 1 of the DEGS1 gene. It does not directly change the encoded amino acid sequence of the DEGS1 protein. It affects a nucleotide within the consensus splice site. The frequency data for this variant in the population databases is considered unreliable, as metrics indicate insufficient coverage at this position in the ExAC database. This variant has not been reported in the literature in individuals affected with DEGS1-related conditions. Variants that disrupt the consensus splice site are a relatively common cause of aberrant splicing (PMID: 17576681, 9536098). Algorithms developed to predict the effect of sequence changes on RNA splicing suggest that this variant is not likely to affect RNA splicing. In summary, the available evidence is currently insufficient to determine the role of this variant in disease. Therefore, it has been classified as a Variant of Uncertain Significance.

Literature cited by the submitters: PubMed 17576681; PubMed 9536098.

NM_003676.4(DEGS1):c.82+6G>A

Gene: DEGS1 (delta 4-desaturase, sphingolipid 1; plus strand). Cytogenetic location: 1q42.11.
Variant type: single nucleotide variant.
Coding change: c.82+6G>A on transcript NM_003676.4 (MANE Select); 6 bases into the intron after coding-DNA position 82, G replaced by A.
Molecular consequence: intron variant.
Genome position (GRCh38, 1-based): chr1:224,183,424, G>A. VCF-style: chr1-224183424-G-A. GRCh37 (hg19) VCF-style: chr1-224371126-G-A.
Other names: c.82+6G>A (NM_001321541.2).
Identifiers: ClinVar variation 1481460 (VCV001481460.6), dbSNP rs1658285861, ClinGen allele CA1012775950.